The following is an entry in ClinVar:

ClinVar aggregate classification (germline): Uncertain significance. Review status: criteria provided, multiple submitters, no conflicts (2 of 4 stars). 5 submissions from 5 submitters: Uncertain significance (5). Last evaluated 2025-11-24.

Conditions:
Cardiovascular phenotype. Identifiers: MedGen CN230736.
Brugada syndrome 8 (BRGDA8). Identifiers: Orphanet 130, MedGen C2751083, MONDO:0013148, OMIM 613123.

Allele frequency attached by ClinVar (database versions not stated): gnomAD exomes 0.00001; ExAC 0.00002; TOPMed 0.00002; gnomAD 0.00003 and 0.00004; ESP Exome Variant Server 0.00008.

Submissions (5):

Labcorp Genetics (formerly Invitae), Labcorp
Classification: Uncertain significance for Brugada syndrome 8. Last evaluated: 2025-11-24. Review status: criteria provided, single submitter. Criteria: Invitae Variant Classification Sherloc (09022015). Collection method: clinical testing. Allele origin: germline.
Comment: This sequence change creates a premature translational stop signal (p.Arg1140Glyfs*41) in the HCN4 gene. While this is not anticipated to result in nonsense mediated decay, it is expected to disrupt the last 64 amino acid(s) of the HCN4 protein. This variant is present in population databases (rs746402732, gnomAD 0.01%). This variant has not been reported in the literature in individuals affected with HCN4-related conditions. ClinVar contains an entry for this variant (Variation ID: 518849). Experimental studies and prediction algorithms are not available or were not evaluated, and the functional significance of this variant is currently unknown. In summary, the available evidence is currently insufficient to determine the role of this variant in disease. Therefore, it has been classified as a Variant of Uncertain Significance.

GeneDx
Classification: Uncertain significance. Last evaluated: 2025-08-22. Review status: criteria provided, single submitter. Criteria: GeneDx Variant Classification Process June 2021. Collection method: clinical testing. Allele origin: germline. Affected: yes.
Comment: Has not been previously published as pathogenic or benign to our knowledge; Not observed at significant frequency in large population cohorts (gnomAD); Frameshift variant predicted to result in abnormal protein length as the last 64 amino acids are replaced with 40 different amino acids

Ambry Genetics
Classification: Uncertain significance for Cardiovascular phenotype. Last evaluated: 2025-08-12. Review status: criteria provided, single submitter. Criteria: Ambry Variant Classification Scheme 2023. Collection method: clinical testing. Allele origin: germline.
Comment: The c.3414delT variant, located in coding exon 8 of the HCN4 gene, results from a deletion of one nucleotide at nucleotide position 3414, causing a translational frameshift with a predicted alternate stop codon (p.R1140Gfs*41). Prior studies reporting HCN4 frameshift and splice alterations did not demonstrate that channel truncation was truly pathogenic in the patients in whom the sequence alterations were identified (Ueda K et al. J. Hum. Genet., 2009 Feb;54:115-21; Schweizer PA et al. Circ Arrhythm Electrophysiol, 2010 Oct;3:542-52; Schulze-Bahr E et al. J. Clin. Invest., 2003 May;111:1537-45). This alteration occurs at the 3' terminus of the HCN4 gene, is not expected to trigger nonsense-mediated mRNAdecay, and only impacts the last 64 amino acids of the protein. The exact functional effect of this alteration is unknown. However, loss of function of HCN4 has not been established as a mechanism of disease. Based on the available evidence, the clinical significance of this alteration remains unclear.

AiLife Diagnostics
Classification: Uncertain significance. Last evaluated: 2022-01-06. Review status: criteria provided, single submitter. Criteria: ACMG Guidelines, 2015. Collection method: clinical testing. Allele origin: germline. Affected: yes. Observed: 1 variant allele.

Revvity Omics, Revvity
Classification: Uncertain significance. Last evaluated: 2020-05-01. Review status: criteria provided, single submitter. Criteria: ACMG Guidelines, 2015. Collection method: clinical testing. Allele origin: germline.

Literature cited by the submitters: PubMed 12750403 (cited by Ambry Genetics); PubMed 19165230 (cited by Ambry Genetics); PubMed 20693575 (cited by Ambry Genetics).

NM_005477.3(HCN4):c.3414del (p.Arg1140fs)

Gene: HCN4 (hyperpolarization activated cyclic nucleotide gated potassium channel 4; minus strand). Cytogenetic location: 15q24.1.
Variant type: Deletion.
Coding change: c.3414del on transcript NM_005477.3 (MANE Select); coding-DNA position 3414, one base deleted (T; older notation c.3414delT).
Protein change: p.Arg1140fs; shifts the reading frame from arginine 1140.
Molecular consequence: frameshift variant.
Genome position (GRCh38, 1-based): chr15:73,322,679, A deleted on the plus strand (T on the coding strand, the reverse complement: HCN4 is on the minus strand). VCF-style (leftmost placement, unchanged base first): chr15-73322678-CA-C. GRCh37 (hg19) VCF-style: chr15-73615019-CA-C.
Other names: c.3414del (NM_005477.2); short protein forms R1140fs.
Identifiers: ClinVar variation 518849 (VCV000518849.19), dbSNP rs746402732, ClinGen allele CA7648826.